The following is an entry in ClinVar:

ClinVar aggregate classification (germline): Uncertain significance (1 of 4 stars; one submission).

Submission:

Labcorp Genetics (formerly Invitae), Labcorp
Classification: Uncertain significance. Last evaluated: 2024-01-06. Review status: criteria provided, single submitter. Criteria: Invitae Variant Classification Sherloc (09022015). Collection method: clinical testing. Allele origin: germline.
Comment: This sequence change replaces methionine, which is neutral and non-polar, with leucine, which is neutral and non-polar, at codon 245 of the MCM5 protein (p.Met245Leu). This variant is not present in population databases (gnomAD no frequency). This variant has not been reported in the literature in individuals affected with MCM5-related conditions. Advanced modeling of protein sequence and biophysical properties (such as structural, functional, and spatial information, amino acid conservation, physicochemical variation, residue mobility, and thermodynamic stability) performed at Invitae indicates that this missense variant is not expected to disrupt MCM5 protein function with a negative predictive value of 80%. In summary, the available evidence is currently insufficient to determine the role of this variant in disease. Therefore, it has been classified as a Variant of Uncertain Significance.

NM_006739.4(MCM5):c.733A>T (p.Met245Leu)

Gene: MCM5 (minichromosome maintenance complex component 5; plus strand). Cytogenetic location: 22q12.3.
Variant type: single nucleotide variant.
Coding change: c.733A>T on transcript NM_006739.4 (MANE Select); coding-DNA position 733, A replaced by T.
Protein change: p.Met245Leu; replaces methionine 245 with leucine.
Molecular consequence: missense variant.
Genome position (GRCh38, 1-based): chr22:35,408,544, A>T. VCF-style: chr22-35408544-A-T. GRCh37 (hg19) VCF-style: chr22-35804537-A-T.
Other names: short protein forms M245L.
Identifiers: ClinVar variation 2707898 (VCV002707898.3), dbSNP rs1361158155, ClinGen allele CA411363290.